The following is an entry in ClinVar:

ClinVar aggregate classification (germline): Uncertain significance. Review status: criteria provided, multiple submitters, no conflicts (2 of 4 stars). 2 submissions from 2 submitters: Uncertain significance (2). Last evaluated 2024-03-21.

Conditions:
DICER1-related tumor predisposition. Also called: DICER1-related pleuropulmonary blastoma cancer predisposition syndrome; DICER1 syndrome. Identifiers: Orphanet 284343, MedGen C3839822, MONDO:0100216.
Hereditary cancer-predisposing syndrome. Also called: Neoplastic Syndromes, Hereditary; Tumor predisposition; Hereditary neoplastic syndrome; Hereditary Cancer Syndrome. Identifiers: Orphanet 140162, MedGen C0027672, MeSH D009386, MONDO:0015356.

Submissions (2):

Labcorp Genetics (formerly Invitae), Labcorp
Classification: Uncertain significance for DICER1-related tumor predisposition. Last evaluated: 2024-03-21. Review status: criteria provided, single submitter. Criteria: Invitae Variant Classification Sherloc (09022015). Collection method: clinical testing. Allele origin: germline.
Comment: This sequence change replaces aspartic acid, which is acidic and polar, with asparagine, which is neutral and polar, at codon 873 of the DICER1 protein (p.Asp873Asn). This variant is not present in population databases (gnomAD no frequency). This variant has not been reported in the literature in individuals affected with DICER1-related conditions. ClinVar contains an entry for this variant (Variation ID: 1793875). Advanced modeling of protein sequence and biophysical properties (such as structural, functional, and spatial information, amino acid conservation, physicochemical variation, residue mobility, and thermodynamic stability) performed at Invitae indicates that this missense variant is not expected to disrupt DICER1 protein function with a negative predictive value of 80%. In summary, the available evidence is currently insufficient to determine the role of this variant in disease. Therefore, it has been classified as a Variant of Uncertain Significance.

Ambry Genetics
Classification: Uncertain significance for Hereditary cancer-predisposing syndrome. Last evaluated: 2023-11-20. Review status: criteria provided, single submitter. Criteria: Ambry Variant Classification Scheme 2023. Collection method: clinical testing. Allele origin: germline.
Comment: The p.D873N variant (also known as c.2617G>A), located in coding exon 15 of the DICER1 gene, results from a G to A substitution at nucleotide position 2617. The aspartic acid at codon 873 is replaced by asparagine, an amino acid with highly similar properties. This amino acid position is well conserved in available vertebrate species. In addition, this alteration is predicted to be tolerated by in silico analysis. Since supporting evidence is limited at this time, the clinical significance of this alteration remains unclear.

NM_177438.3(DICER1):c.2617G>A (p.Asp873Asn)

Gene: DICER1 (dicer 1, ribonuclease III; minus strand). Cytogenetic location: 14q32.13.
Variant type: single nucleotide variant.
Coding change: c.2617G>A on transcript NM_177438.3 (MANE Select); coding-DNA position 2617, G replaced by A.
Protein change: p.Asp873Asn; replaces aspartic acid 873 with asparagine.
Molecular consequence: missense variant. On other transcripts: non-coding transcript variant (6).
Genome position (GRCh38, 1-based): chr14:95,107,913, C>T on the plus strand (G>A on the coding strand, the complement: DICER1 is on the minus strand). VCF-style: chr14-95107913-C-T. GRCh37 (hg19) VCF-style: chr14-95574250-C-T.
Other names: c.2617G>A, p.Asp873Asn (NM_001195573.1, NM_001271282.3, NM_001291628.2 and 13 more transcripts); c.2335G>A, p.Asp779Asn (NM_001395686.1); c.2212G>A, p.Asp738Asn (NM_001395687.1, NM_001395688.1, NM_001395689.1 and 2 more transcripts); c.2050G>A, p.Asp684Asn (NM_001395691.1); c.934G>A, p.Asp312Asn (NM_001395697.1); short protein forms D779N, D312N, D738N, D684N, D873N.
Identifiers: ClinVar variation 1793875 (VCV001793875.5), dbSNP rs774672421, ClinGen allele CA390881298.